The following is an entry in ClinVar:

NM_015909.4(NBAS):c.3430T>A (p.Cys1144Ser)

Gene: NBAS (NBAS subunit of NRZ tethering complex; minus strand). Cytogenetic location: 2p24.3.
Variant type: single nucleotide variant.
Coding change: c.3430T>A on transcript NM_015909.4 (MANE Select); coding-DNA position 3430, T replaced by A.
Protein change: p.Cys1144Ser; replaces cysteine 1144 with serine.
Molecular consequence: missense variant. On other transcripts: non-coding transcript variant (1).
Genome position (GRCh38, 1-based): chr2:15,379,762, A>T on the plus strand (T>A on the coding strand, the complement: NBAS is on the minus strand). VCF-style: chr2-15379762-A-T. GRCh37 (hg19) VCF-style: chr2-15519886-A-T.
Other names: short protein forms C1144S.
Identifiers: ClinVar variation 1516223 (VCV001516223.6), dbSNP rs1049723909, ClinGen allele CA42637258.

ClinVar aggregate classification (germline): Uncertain significance (1 of 4 stars; one submission).

Allele frequency attached by ClinVar (database versions not stated): gnomAD exomes below 0.00001.
gnomAD v4.1: 5 of 1,614,092 alleles (0.00031%); highest among the groups gnomAD compares: Non-Finnish European, 0.00042%; no homozygotes.

Submission:

Labcorp Genetics (formerly Invitae), Labcorp
Classification: Uncertain significance. Last evaluated: 2023-10-13. Review status: criteria provided, single submitter. Criteria: Invitae Variant Classification Sherloc (09022015). Collection method: clinical testing. Allele origin: germline.
Comment: This sequence change replaces cysteine, which is neutral and slightly polar, with serine, which is neutral and polar, at codon 1144 of the NBAS protein (p.Cys1144Ser). This variant is not present in population databases (gnomAD no frequency). This variant has not been reported in the literature in individuals affected with NBAS-related conditions. ClinVar contains an entry for this variant (Variation ID: 1516223). Advanced modeling of protein sequence and biophysical properties (such as structural, functional, and spatial information, amino acid conservation, physicochemical variation, residue mobility, and thermodynamic stability) performed at Invitae indicates that this missense variant is not expected to disrupt NBAS protein function. In summary, the available evidence is currently insufficient to determine the role of this variant in disease. Therefore, it has been classified as a Variant of Uncertain Significance.